The following is an entry in ClinVar:

ClinVar aggregate classification (germline): Uncertain significance (1 of 4 stars; one submission).

Conditions:
Hereditary cancer-predisposing syndrome. Also called: Neoplastic Syndromes, Hereditary; Tumor predisposition; Hereditary neoplastic syndrome; Hereditary Cancer Syndrome. Identifiers: Orphanet 140162, MedGen C0027672, MeSH D009386, MONDO:0015356.

Submission:

Ambry Genetics
Classification: Uncertain significance for Hereditary cancer-predisposing syndrome. Last evaluated: 2026-07-06. Review status: criteria provided, single submitter. Criteria: Ambry Variant Classification Scheme 2023. Collection method: clinical testing. Allele origin: germline.
Comment: The p.P489T variant (also known as c.1465C>A), located in coding exon 10 of the CDH1 gene, results from a C to A substitution at nucleotide position 1465. The proline at codon 489 is replaced by threonine, an amino acid with highly similar properties. This amino acid position is conserved. In addition, this alteration is predicted to be tolerated by in silico analysis. Based on the available evidence, the clinical significance of this variant remains unclear.

NM_004360.5(CDH1):c.1465C>A (p.Pro489Thr)

Gene: CDH1 (cadherin 1; plus strand). Cytogenetic location: 16q22.1.
Variant type: single nucleotide variant.
Coding change: c.1465C>A on transcript NM_004360.5 (MANE Select); coding-DNA position 1465, C replaced by A.
Protein change: p.Pro489Thr; replaces proline 489 with threonine.
Molecular consequence: missense variant. On other transcripts: 5 prime UTR variant (2).
Genome position (GRCh38, 1-based): chr16:68,815,659, C>A. VCF-style: chr16-68815659-C-A. GRCh37 (hg19) VCF-style: chr16-68849562-C-A.
Other names: c.1282C>A, p.Pro428Thr (NM_001317184.2); c.-84C>A (NM_001317185.2); c.-355C>A (NM_001317186.2); short protein forms P428T, P489T.
Identifiers: ClinVar variation 5033893 (VCV005033893.1).